The following is an entry in ClinVar:

ClinVar aggregate classification (germline): Uncertain significance. Review status: criteria provided, multiple submitters, no conflicts (2 of 4 stars). 2 submissions from 2 submitters: Uncertain significance (2). Last evaluated 2020-12-18.

Conditions:
Retinitis pigmentosa 40 (RP40). Identifiers: Orphanet 791, MedGen C3151107, MONDO:0013429, OMIM 613801.

Allele frequency attached by ClinVar (database versions not stated): ExAC 0.00001; gnomAD exomes 0.00002; TOPMed 0.00002; gnomAD 0.00004 and 0.00005; 1000 Genomes Project 30x 0.00016; 1000 Genomes Project 0.00020.
gnomAD v4.1: 19 of 1,613,824 alleles (0.0012%); highest among the groups gnomAD compares: Admixed American, 0.0067%; no homozygotes.

Submissions (2):

Blueprint Genetics
Classification: Uncertain significance. Last evaluated: 2020-12-18. Review status: criteria provided, single submitter. Criteria: ACMG Guidelines, 2015. Collection method: clinical testing. Allele origin: germline.

Centre for Mendelian Genomics, University Medical Centre Ljubljana
Classification: Uncertain significance for Retinitis pigmentosa 40. Last evaluated: 2020-03-21. Review status: criteria provided, single submitter. Criteria: ACMG Guidelines, 2015. Collection method: clinical testing. Allele origin: unknown. Affected: yes.
Comment: This variant was classified as: Uncertain significance. The available evidence on this variant's pathogenicity is insufficient or conflicting. The following ACMG criteria were applied in classifying this variant: PM2.

NM_000283.4(PDE6B):c.559G>A (p.Val187Met)

Gene: PDE6B (phosphodiesterase 6B; plus strand). Cytogenetic location: 4p16.3.
Variant type: single nucleotide variant.
Coding change: c.559G>A on transcript NM_000283.4 (MANE Select); coding-DNA position 559, G replaced by A.
Protein change: p.Val187Met; replaces valine 187 with methionine.
Molecular consequence: missense variant.
Genome position (GRCh38, 1-based): chr4:634,767, G>A. VCF-style: chr4-634767-G-A. GRCh37 (hg19) VCF-style: chr4-628556-G-A.
Other names: c.559G>A, p.Val187Met (NM_001145291.2); short protein forms V187M.
Identifiers: ClinVar variation 930976 (VCV000930976.4), dbSNP rs138615156, ClinGen allele CA2793998.
Genomic context (GRCh38, chr4:634,767, plus strand): 5'-CTCACTGACTACAAGACAAAGAATATGCTGGCCACACCCATCATGAATGGCAAAGACGTC[G>A]TGGCGGTGATCATGGCAGTGAACAAGCTCAACGGCCCATTCTTCACCAGCGAAGACGAAG-3'
Protein context (NP_000274.3, residues 177-197): ATPIMNGKDV[Val187Met]AVIMAVNKLN